The following is an entry in ClinVar:

ClinVar aggregate classification (germline): Uncertain significance (1 of 4 stars; one submission).

Submission:

GeneDx
Classification: Uncertain significance. Last evaluated: 2025-02-06. Review status: criteria provided, single submitter. Criteria: GeneDx Variant Classification Process June 2021. Collection method: clinical testing. Allele origin: germline. Affected: yes.
Comment: Not observed at significant frequency in large population cohorts (gnomAD); In silico analysis supports that this missense variant has a deleterious effect on protein structure/function; Has not been previously published as pathogenic or benign to our knowledge

NM_000240.4(MAOA):c.635A>T (p.Asn212Ile)

Gene: MAOA (monoamine oxidase A; plus strand). Cytogenetic location: Xp11.3.
Variant type: single nucleotide variant.
Coding change: c.635A>T on transcript NM_000240.4 (MANE Select); coding-DNA position 635, A replaced by T.
Protein change: p.Asn212Ile; replaces asparagine 212 with isoleucine.
Molecular consequence: missense variant.
Genome position (GRCh38, 1-based): chrX:43,728,304, A>T. VCF-style: chrX-43728304-A-T. GRCh37 (hg19) VCF-style: chrX-43587551-A-T.
Other names: c.236A>T, p.Asn79Ile (NM_001270458.2); short protein forms N212I, N79I.
Identifiers: ClinVar variation 4074446 (VCV004074446.1).